The following is an entry in ClinVar:

ClinVar aggregate classification (germline): Uncertain significance (1 of 4 stars; one submission).

Submission:

Labcorp Genetics (formerly Invitae), Labcorp
Classification: Uncertain significance. Last evaluated: 2024-02-03. Review status: criteria provided, single submitter. Criteria: Invitae Variant Classification Sherloc (09022015). Collection method: clinical testing. Allele origin: germline.
Comment: This sequence change replaces glutamic acid, which is acidic and polar, with glycine, which is neutral and non-polar, at codon 1503 of the SORL1 protein (p.Glu1503Gly). This variant is not present in population databases (gnomAD no frequency). This variant has not been reported in the literature in individuals affected with SORL1-related conditions. An algorithm developed to predict the effect of missense changes on protein structure and function (PolyPhen-2) suggests that this variant is likely to be disruptive. In summary, the available evidence is currently insufficient to determine the role of this variant in disease. Therefore, it has been classified as a Variant of Uncertain Significance.

NM_003105.6(SORL1):c.4508A>G (p.Glu1503Gly)

Genes: SORL1 (sortilin related receptor 1; plus strand), LOC126861368 (P300/CBP strongly-dependent group 1 enhancer GRCh37_chr11:121465964-121467163; plus strand). Cytogenetic location: 11q24.1.
Variant type: single nucleotide variant.
Coding change: c.4508A>G on transcript NM_003105.6 (MANE Select); coding-DNA position 4508, A replaced by G.
Protein change: p.Glu1503Gly; replaces glutamic acid 1503 with glycine.
Molecular consequence: missense variant.
Genome position (GRCh38, 1-based): chr11:121,595,761, A>G. VCF-style: chr11-121595761-A-G. GRCh37 (hg19) VCF-style: chr11-121466470-A-G.
Other names: short protein forms E1503G.
Identifiers: ClinVar variation 3632703 (VCV003632703.2).